The following is an entry in ClinVar:

ClinVar aggregate classification (germline): Uncertain significance. Review status: criteria provided, multiple submitters, no conflicts (2 of 4 stars). 3 submissions from 3 submitters: Uncertain significance (3). Last evaluated 2025-09-11.

Conditions:
Xanthinuria type II. Also called: Xanthine dehydrogenase and aldehyde oxidase combined deficiency of; XDH and AOX dual deficiency. Identifiers: Orphanet 3467, Orphanet 93602, MedGen C1863688, MONDO:0011346, OMIM 603592.

Allele frequency attached by ClinVar (database versions not stated): gnomAD exomes 0.00001 and 0.00007; TOPMed 0.00003; gnomAD 0.00005; ExAC 0.00007.
gnomAD v4.1: 27 of 1,613,806 alleles (0.0017%); highest among the groups gnomAD compares: East Asian, 0.053%; no homozygotes.

Submissions (3):

Ambry Genetics
Classification: Uncertain significance. Last evaluated: 2025-09-11. Review status: criteria provided, single submitter. Criteria: Ambry Variant Classification Scheme 2023. Collection method: clinical testing. Allele origin: germline.

Fulgent Genetics
Classification: Uncertain significance for Xanthinuria type II. Last evaluated: 2024-05-17. Review status: criteria provided, single submitter. Criteria: ACMG Guidelines, 2015. Collection method: clinical testing. Allele origin: germline.

Labcorp Genetics (formerly Invitae), Labcorp
Classification: Uncertain significance for Xanthinuria type II. Last evaluated: 2020-09-09. Review status: criteria provided, single submitter. Criteria: Invitae Variant Classification Sherloc (09022015). Collection method: clinical testing. Allele origin: germline.
Comment: In summary, the available evidence is currently insufficient to determine the role of this variant in disease. Therefore, it has been classified as a Variant of Uncertain Significance. Algorithms developed to predict the effect of missense changes on protein structure and function are either unavailable or do not agree on the potential impact of this missense change (SIFT: "Deleterious"; PolyPhen-2: "Probably Damaging"; Align-GVGD: "Class C0"). This variant has not been reported in the literature in individuals with MOCOS-related conditions. This variant is present in population databases (rs759846222, ExAC 0.1%). This sequence change replaces isoleucine with methionine at codon 435 of the MOCOS protein (p.Ile435Met). The isoleucine residue is moderately conserved and there is a small physicochemical difference between isoleucine and methionine.

NM_017947.4(MOCOS):c.1305A>G (p.Ile435Met)

Gene: MOCOS (molybdenum cofactor sulfurase; plus strand). Cytogenetic location: 18q12.2.
Variant type: single nucleotide variant.
Coding change: c.1305A>G on transcript NM_017947.4 (MANE Select); coding-DNA position 1305, A replaced by G.
Protein change: p.Ile435Met; replaces isoleucine 435 with methionine.
Molecular consequence: missense variant.
Genome position (GRCh38, 1-based): chr18:36,213,452, A>G. VCF-style: chr18-36213452-A-G. GRCh37 (hg19) VCF-style: chr18-33793415-A-G.
Other names: c.1305A>G (NM_017947.2); short protein forms I435M.
Identifiers: ClinVar variation 1047251 (VCV001047251.12), dbSNP rs759846222, ClinGen allele CA8940685.
Genomic context (GRCh38, chr18:36,213,452, plus strand): 5'-CATCCACCTGCGAACTGGCTGCTTCTGTAACACTGGGGCCTGCCAGAGGCACCTGGGCAT[A>G]AGCAACGAGATGGTCAGGAAGCATTTTCAGGTTGGTACAGGGCTCTGCGATCCAGACGCT-3'
Protein context (NP_060417.4, residues 425-445): NTGACQRHLG[Ile435Met]SNEMVRKHFQ